The following is an entry in ClinVar:

ClinVar aggregate classification (germline): Uncertain significance. Review status: criteria provided, multiple submitters, no conflicts (2 of 4 stars). 6 submissions from 6 submitters: Uncertain significance (5). 1 of the submissions does not count toward it. Last evaluated 2025-05-30.

Conditions:
Hereditary cancer-predisposing syndrome. Also called: Hereditary neoplastic syndrome; Tumor predisposition; Neoplastic Syndromes, Hereditary; Hereditary Cancer Syndrome. Identifiers: Orphanet 140162, MedGen C0027672, MeSH D009386, MONDO:0015356.
Familial adenomatous polyposis 1 (FAP1). Also called: FAMILIAL ADENOMATOUS POLYPOSIS 1, ATTENUATED; POLYPOSIS, ADENOMATOUS INTESTINAL. Identifiers: MedGen C2713442, MONDO:0021056, OMIM 175100. Disease mechanism: loss of function.
Classic or attenuated familial adenomatous polyposis. Identifiers: MedGen CN372698, MONDO:0021057.

Allele frequency attached by ClinVar (database versions not stated): gnomAD exomes below 0.00001; TOPMed below 0.00001.

Submissions (6):

Ambry Genetics
Classification: Uncertain significance for Hereditary cancer-predisposing syndrome. Last evaluated: 2025-05-30. Review status: criteria provided, single submitter. Criteria: Ambry Variant Classification Scheme 2023. Collection method: clinical testing. Allele origin: germline.
Comment: The c.7105_7107delCCA variant (also known as p.P2369del) is located in coding exon 15 of the APC gene. This variant results from an in-frame CCA deletion at nucleotide positions 7105 to 7107. This results in the in-frame deletion of a proline at codon 2369. This amino acid position is well conserved in available vertebrate species. In addition, the in silico prediction for this alteration is inconclusive (Choi Y et al. PLoS ONE. 2012; 7(10):e46688). Based on the available evidence, the clinical significance of this variant remains unclear.

Labcorp Genetics (formerly Invitae), Labcorp
Classification: Uncertain significance for Familial adenomatous polyposis 1. Last evaluated: 2025-03-09. Review status: criteria provided, single submitter. Criteria: Invitae Variant Classification Sherloc (09022015). Collection method: clinical testing. Allele origin: germline.
Comment: This variant, c.7105_7107del, results in the deletion of 1 amino acid(s) of the APC protein (p.Pro2369del), but otherwise preserves the integrity of the reading frame. This variant is not present in population databases (gnomAD no frequency). This variant has not been reported in the literature in individuals affected with APC-related conditions. ClinVar contains an entry for this variant (Variation ID: 421065). Experimental studies and prediction algorithms are not available or were not evaluated, and the functional significance of this variant is currently unknown. In summary, the available evidence is currently insufficient to determine the role of this variant in disease. Therefore, it has been classified as a Variant of Uncertain Significance.

All of Us Research Program, National Institutes of Health
Classification: Uncertain significance for Classic or attenuated familial adenomatous polyposis. Last evaluated: 2023-05-04. Review status: criteria provided, single submitter. Criteria: ACMG Guidelines, 2015. Collection method: clinical testing. Allele origin: germline. Inheritance: Autosomal dominant inheritance. Observed: 1 variant allele, 1 heterozygote.
Comment: This variant causes an in-frame deletion of one amino acid of the APC protein. To our knowledge, functional studies have not been reported for this variant. This variant has not been reported in individuals affected with APC-related disorders in the literature. This variant has not been identified in the general population by the Genome Aggregation Database (gnomAD). The available evidence is insufficient to determine the role of this variant in disease conclusively. Therefore, this variant is classified as a Variant of Uncertain Significance.

This study involves interpretation of variants in research participants for the purpose of population health screening. Participant phenotype was not available at the time of variant classification. Additional details can be found in publication PMID: 35346344, PMCID: PMC8962531

Myriad Genetics, Inc.
Classification: Uncertain significance for Familial adenomatous polyposis 1. Last evaluated: 2023-02-14. Review status: criteria provided, single submitter. Criteria: Myriad Autosomal Dominant, Autosomal Recessive and X-Linked Classification Criteria (2023). Collection method: clinical testing. Allele origin: unknown.
Comment: This variant is classified as a variant of uncertain significance as there is insufficient evidence to determine its impact on protein function and/or cancer risk.

GeneDx
Classification: Uncertain significance. Last evaluated: 2022-12-19. Review status: criteria provided, single submitter. Criteria: GeneDx Variant Classification Process June 2021. Collection method: clinical testing. Allele origin: germline. Affected: yes.
Comment: In-frame deletion of 1 amino acid in a non-repeat region; Not observed at significant frequency in large population cohorts (gnomAD); In silico analysis supports a deleterious effect on protein structure/function; Has not been previously published as pathogenic or benign to our knowledge; This variant is associated with the following publications: (PMID: 18199528)

Counsyl
Classification: Uncertain significance for Familial adenomatous polyposis 1. Last evaluated: 2018-01-25. Review status: no assertion criteria provided. Collection method: clinical testing. Allele origin: unknown. Not counted in ClinVar's aggregate classification.

NM_000038.6(APC):c.7105_7107del (p.Pro2369del)

Gene: APC (APC regulator of Wnt signaling pathway; plus strand). Cytogenetic location: 5q22.2.
Variant type: Deletion.
Coding change: c.7105_7107del on transcript NM_000038.6 (MANE Select); coding-DNA positions 7105 to 7107, 3 bases deleted (CCA; older notation c.7105_7107delCCA).
Protein change: p.Pro2369del; deletes proline 2369.
Molecular consequence: inframe deletion.
Genome position (GRCh38, 1-based): chr5:112,842,699-112,842,701, CCA deleted. VCF-style (leftmost placement, unchanged base first): chr5-112842698-TCCA-T. GRCh37 (hg19) VCF-style: chr5-112178395-TCCA-T.
Other names: c.7105_7107del, p.Pro2369del (NM_001127510.3, NM_001354895.2); c.7051_7053del, p.Pro2351del (NM_001127511.3); c.7159_7161del, p.Pro2387del (NM_001354896.2); c.7135_7137del, p.Pro2379del (NM_001354897.2); c.7030_7032del, p.Pro2344del (NM_001354898.2); c.7021_7023del, p.Pro2341del (NM_001354899.2); c.6982_6984del, p.Pro2328del (NM_001354900.2); c.6928_6930del, p.Pro2310del (NM_001354901.2); and 6 more; short protein forms P2351del, P2369del, P2209del, P2310del, P2086del, P2328del, P2243del, P2341del.
Identifiers: ClinVar variation 421065 (VCV000421065.19), dbSNP rs1064794884, ClinGen allele CA16618093.